The following is an entry in ClinVar:

NM_000112.4(SLC26A2):c.958G>T (p.Glu320Ter)

Gene: SLC26A2 (solute carrier family 26 member 2; plus strand). Cytogenetic location: 5q32.
Variant type: single nucleotide variant.
Coding change: c.958G>T on transcript NM_000112.4 (MANE Select); coding-DNA position 958, G replaced by T.
Protein change: p.Glu320Ter; replaces glutamic acid 320 with a stop codon.
Molecular consequence: nonsense.
Genome position (GRCh38, 1-based): chr5:149,980,551, G>T. VCF-style: chr5-149980551-G-T. GRCh37 (hg19) VCF-style: chr5-149360114-G-T.
Other names: short protein forms E320*.
Identifiers: ClinVar variation 4887762 (VCV004887762.1).

ClinVar aggregate classification (germline): Pathogenic (1 of 4 stars; one submission).

Conditions:
Osteochondrodysplasia. Identifiers: MedGen C0029422, MONDO:0005516.

Submission:

Women's Health and Genetics/Laboratory Corporation of America, LabCorp
Classification: Pathogenic for Osteochondrodysplasia. Last evaluated: 2026-06-22. Review status: criteria provided, single submitter. Criteria: LabCorp Variant Classification Summary - May 2015. Collection method: clinical testing. Allele origin: germline.
Comment: Variant summary: SLC26A2 c.958G>T (p.Glu320X) results in a premature termination codon, predicted to cause a truncation of the encoded protein or absence of the protein due to nonsense mediated decay, which are commonly known mechanisms for disease. The variant was absent in 251304 control chromosomes. To our knowledge, no occurrence of c.958G>T in individuals affected with SLC26A2-related conditions and no experimental evidence demonstrating its impact on protein function have been reported. Multiple downstream frameshift and missense variants have been classified as pathogenic by our lab. No submitters have cited clinical-significance assessments for this variant to ClinVar. Based on the evidence outlined above, the variant was classified as pathogenic.